The following is an entry in ClinVar:

ClinVar aggregate classification (germline): Pathogenic (1 of 4 stars; one submission).

Conditions:
Fanconi anemia (FA). Also called: Fanconi's anemia. Identifiers: Orphanet 84, MedGen C0015625, MeSH D005199, MONDO:0019391.

Submission:

Labcorp Genetics (formerly Invitae), Labcorp
Classification: Pathogenic for Fanconi anemia. Last evaluated: 2021-08-12. Review status: criteria provided, single submitter. Criteria: Invitae Variant Classification Sherloc (09022015). Collection method: clinical testing. Allele origin: germline.
Comment: This variant is a gross deletion of the genomic region encompassing exon(s) 16-32 of the FANCA gene. This deletion is out-of-frame, and is expected to create a premature termination codon and result in an absent or disrupted protein product. Loss-of-function variants in FANCA are known to be pathogenic (PMID: 19367192). This variant has not been reported in the literature in individuals affected with FANCA-related conditions. For these reasons, this variant has been classified as Pathogenic.

Literature cited by the submitters: PubMed 19367192.

NC_000016.9:g.(?_89816056)_(89849520_?)del

Gene: FANCA (FA complementation group A; minus strand). Cytogenetic location: 16q24.3.
Variant type: Deletion.
Identifiers: ClinVar variation 1453701 (VCV001453701.5).